The following is an entry in ClinVar:

ClinVar aggregate classification (germline): Likely benign. Review status: criteria provided, single submitter (1 of 4 stars). 2 submissions from 2 submitters: Likely benign (1). 1 of the submissions does not count toward it. Last evaluated 2025-11-08.

Conditions:
NFAT5-related disorder. Also called: NFAT5-related condition.
Immunodeficiency. Identifiers: MedGen C0021051, MONDO:0021094, HP:0002721.

Allele frequency attached by ClinVar (database versions not stated): gnomAD 0.00001 and 0.00014; TOPMed 0.00001; ExAC 0.00033; gnomAD exomes 0.00033; 1000 Genomes Project 0.00060; 1000 Genomes Project 30x 0.00062.
gnomAD v4.1: 237 of 1,614,212 alleles (0.015%); highest among the groups gnomAD compares: South Asian, 0.23%; 3 homozygotes.

Submissions (2):

Labcorp Genetics (formerly Invitae), Labcorp
Classification: Likely benign for Immunodeficiency. Last evaluated: 2025-11-08. Review status: criteria provided, single submitter. Criteria: Invitae Variant Classification Sherloc (09022015). Collection method: clinical testing. Allele origin: germline.

PreventionGenetics, part of Exact Sciences
Classification: Likely benign for NFAT5-related condition. Last evaluated: 2021-11-03. Review status: no assertion criteria provided. Collection method: clinical testing. Allele origin: germline. Not counted in ClinVar's aggregate classification.
Comment: This variant is classified as likely benign based on ACMG/AMP sequence variant interpretation guidelines (Richards et al. 2015 PMID: 25741868, with internal and published modifications).

NM_138713.4(NFAT5):c.2510A>G (p.Asn837Ser)

Gene: NFAT5 (nuclear factor of activated T cells 5; plus strand). Cytogenetic location: 16q22.1.
Variant type: single nucleotide variant.
Coding change: c.2510A>G on transcript NM_138713.4 (MANE Select); coding-DNA position 2510, A replaced by G.
Protein change: p.Asn837Ser; replaces asparagine 837 with serine.
Molecular consequence: missense variant.
Genome position (GRCh38, 1-based): chr16:69,692,335, A>G. VCF-style: chr16-69692335-A-G. GRCh37 (hg19) VCF-style: chr16-69726238-A-G.
Other names: c.2507A>G, p.Asn836Ser (NM_001113178.3); c.1835A>G, p.Asn612Ser (NM_001367709.1); c.2456A>G, p.Asn819Ser (NM_006599.4); c.2228A>G, p.Asn743Ser (NM_138714.4, NM_173214.3, NM_173215.3); short protein forms N743S, N836S, N837S, N612S, N819S.
Identifiers: ClinVar variation 729895 (VCV000729895.13), dbSNP rs201942744, ClinGen allele CA8135767.
Genomic context (GRCh38, chr16:69,692,335, plus strand): 5'-AACAAGTTTTAGAGGCACAGCAGCAGTTATCTTCAGTTTTATTTTCTGCTCCAGATGGTA[A>G]TGAGAATGTTCAAGAGCAGCTTAGTGCAGATATTTTTCAACAAGTCAGTCAAATTCAGAG-3'
Protein context (NP_619727.2, residues 827-847): SSVLFSAPDG[Asn837Ser]ENVQEQLSAD